The following is an entry in ClinVar:

NM_003849.4(SUCLG1):c.825+6T>G

Gene: SUCLG1 (succinate-CoA ligase GDP/ADP-forming subunit alpha; minus strand). Cytogenetic location: 2p11.2.
Variant type: single nucleotide variant.
Coding change: c.825+6T>G on transcript NM_003849.4 (MANE Select); 6 bases into the intron after coding-DNA position 825, T replaced by G.
Molecular consequence: intron variant.
Genome position (GRCh38, 1-based): chr2:84,431,502, A>C on the plus strand (T>G on the coding strand, the complement: SUCLG1 is on the minus strand). VCF-style: chr2-84431502-A-C. GRCh37 (hg19) VCF-style: chr2-84658626-A-C.
Identifiers: ClinVar variation 2133053 (VCV002133053.4), dbSNP rs2468617969, ClinGen allele CA2580068226.
Genomic context (GRCh38, chr2:84,431,502, plus strand): 5'-ATAACTTCTGAAACAAGCCTCTGATATTAAGAGCAAAGAGCTATGTTTTTCCAAACCCAA[A>C]CTTACTGAATTATGTTGCTTCAAAAATTCTGCAGCATTCTCTTCTGCATTACCACCAATT-3'

ClinVar aggregate classification (germline): Uncertain significance (1 of 4 stars; one submission).

Conditions:
Mitochondrial DNA depletion syndrome 9 (MTDPS9). Also called: SUCLG1-Related Mitochondrial DNA Depletion Syndrome, Encephalomyopathic Form with Methylmalonic Aciduria. Identifiers: Orphanet 17, MedGen C3151476, MONDO:0009504, OMIM 245400.

Allele frequency attached by ClinVar (database versions not stated): gnomAD exomes below 0.00001.
gnomAD v4.1: 2 of 1,613,876 alleles (0.00012%); highest among the groups gnomAD compares: Non-Finnish European, 0.00017%; no homozygotes.

Submission:

Labcorp Genetics (formerly Invitae), Labcorp
Classification: Uncertain significance for Mitochondrial DNA depletion syndrome 9. Last evaluated: 2022-05-02. Review status: criteria provided, single submitter. Criteria: Invitae Variant Classification Sherloc (09022015). Collection method: clinical testing. Allele origin: germline.
Comment: This sequence change falls in intron 7 of the SUCLG1 gene. It does not directly change the encoded amino acid sequence of the SUCLG1 protein. It affects a nucleotide within the consensus splice site. This variant is not present in population databases (gnomAD no frequency). In summary, the available evidence is currently insufficient to determine the role of this variant in disease. Therefore, it has been classified as a Variant of Uncertain Significance. Variants that disrupt the consensus splice site are a relatively common cause of aberrant splicing (PMID: 17576681, 9536098). Algorithms developed to predict the effect of sequence changes on RNA splicing suggest that this variant may create or strengthen a splice site. This variant has not been reported in the literature in individuals affected with SUCLG1-related conditions.

Literature cited by the submitters: PubMed 17576681; PubMed 9536098.